The following is an entry in ClinVar:

ClinVar aggregate classification (germline): Pathogenic (1 of 4 stars; one submission).

Conditions:
Geleophysic dysplasia 2 (GPHYSD2). Identifiers: Orphanet 2623, MedGen C3280054, MONDO:0013612, OMIM 614185.
Progeroid and marfanoid aspect-lipodystrophy syndrome. Also called: MARFAN-PROGEROID-LIPODYSTROPHY SYNDROME; Marfan lipodystrophy syndrome; MARFANOID-PROGEROID SYNDROME; MARFANOID-PROGEROID-LIPODYSTROPHY SYNDROME. Identifiers: Orphanet 300382, MedGen C4310796, MONDO:0014831, OMIM 616914.
MASS syndrome (OCTD). Also called: MASS PHENOTYPE; OVERLAP CONNECTIVE TISSUE DISEASE. Identifiers: MedGen C1858556, MONDO:0011431, OMIM 604308.
Marfan syndrome (MFS). Also called: Marfan syndrome, classic; MARFAN SYNDROME, TYPE I; Marfan syndrome type 1; Marfan's syndrome; FBN1-Related Marfan Syndrome. Identifiers: Orphanet 284963, Orphanet 558, MedGen C0024796, MONDO:0007947, OMIM 154700.
Ectopia lentis 1, isolated, autosomal dominant (ECTOL1). Identifiers: Orphanet 1885, MedGen C3541518, MONDO:0007514, OMIM 129600.
Stiff skin syndrome (SSKS). Identifiers: Orphanet 2833, MedGen C1861456, MONDO:0008492, OMIM 184900.
Acromicric dysplasia (ACMICD). Also called: Acromicric skeletal dysplasia. Identifiers: Orphanet 969, MedGen C0265287, MONDO:0007055, OMIM 102370.
Weill-Marchesani syndrome 2, dominant. Also called: FBN1-Related Weill-Marchesani Syndrome; Weill-Marchesani Syndrome, Autosomal Dominant. Identifiers: Orphanet 2084, MedGen C1869115, MONDO:0012013, OMIM 608328.

Submission:

Center for Genomics, Ann and Robert H. Lurie Children's Hospital of Chicago
Classification: Pathogenic for Acromicric dysplasia; Ectopia lentis 1, isolated, autosomal dominant; Geleophysic dysplasia 2; MASS syndrome; Progeroid and marfanoid aspect-lipodystrophy syndrome; Marfan syndrome; Stiff skin syndrome; Weill-Marchesani syndrome 2, dominant. Review status: criteria provided, single submitter. Criteria: ACMG Guidelines, 2015. Collection method: clinical testing. Allele origin: germline.
Comment: FBN1 NM_000138.4 exon 48 p.Gln1946Asnfs*34 (c.5836del): This variant has not been reported in the literature and is not present in large control databases. Evolutionary conservation and computational predictive tools for this variant are limited or unavailable. This variant represents a deletion of 1 nucleotide and creates a premature stop codon 33 amino acids downstream from this location which results in an absent or abnormal protein. Loss of function variants are a known mechanism of disease for this gene (Dietz 2017 PMID: 20301510). In summary, this variant is classified as pathogenic.

NM_000138.5(FBN1):c.5836del (p.Gln1946fs)

Gene: FBN1 (fibrillin 1; minus strand). Cytogenetic location: 15q21.1.
Variant type: Deletion.
Coding change: c.5836del on transcript NM_000138.5 (MANE Select); coding-DNA position 5836, one base deleted (C; older notation c.5836delC).
Protein change: p.Gln1946fs; shifts the reading frame from glutamine 1946.
Molecular consequence: frameshift variant.
Genome position (GRCh38, 1-based): chr15:48,445,457, G deleted on the plus strand (C on the coding strand, the reverse complement: FBN1 is on the minus strand); the first of 2 consecutive G bases (chr15:48,445,457-48,445,458); deleting either gives the same sequence. VCF-style (leftmost placement, unchanged base first): chr15-48445456-TG-T. GRCh37 (hg19) VCF-style: chr15-48737653-TG-T.
Other names: short protein forms Q1946fs.
Identifiers: ClinVar variation 1675081 (VCV001675081.2), dbSNP rs2141249251, ClinGen allele CA2573150957.